The following is an entry in ClinVar:

NM_005591.4(MRE11):c.471G>A (p.Met157Ile)

Gene: MRE11 (MRE11 double strand break repair nuclease; minus strand). Cytogenetic location: 11q21.
Variant type: single nucleotide variant.
Coding change: c.471G>A on transcript NM_005591.4 (MANE Select); coding-DNA position 471, G replaced by A.
Protein change: p.Met157Ile; replaces methionine 157 with isoleucine.
Molecular consequence: missense variant.
Genome position (GRCh38, 1-based): chr11:94,478,808, C>T on the plus strand (G>A on the coding strand, the complement: MRE11 is on the minus strand). VCF-style: chr11-94478808-C-T. GRCh37 (hg19) VCF-style: chr11-94211974-C-T.
Other names: c.471G>A, p.Met157Ile (NM_001330347.2, NM_005590.4); short protein forms M157I.
Identifiers: ClinVar variation 142370 (VCV000142370.5), dbSNP rs587782412, ClinGen allele CA168181.

ClinVar aggregate classification (germline): Uncertain significance (1 of 4 stars; one submission).

Conditions:
Hereditary cancer-predisposing syndrome. Also called: Neoplastic Syndromes, Hereditary; Tumor predisposition; Hereditary Cancer Syndrome; Hereditary neoplastic syndrome. Identifiers: Orphanet 140162, MedGen C0027672, MeSH D009386, MONDO:0015356.

Submission:

Ambry Genetics
Classification: Uncertain significance for Hereditary cancer-predisposing syndrome. Last evaluated: 2018-12-30. Review status: criteria provided, single submitter. Criteria: Ambry Variant Classification Scheme 2023. Collection method: clinical testing. Allele origin: germline.
Comment: The p.M157I variant (also known as c.471G>A) is located in coding exon 5 of the MRE11A gene. This alteration results from a G to A substitution at nucleotide position 471. The methionine at codon 157 is replaced by isoleucine, an amino acid with highly similar properties. Based on protein sequence alignment, this amino acid position is not well conserved in available vertebrate species. In addition, this alteration is predicted to be tolerated by in silico analysis. Since supporting evidence is limited at this time, the clinical significance of this alteration remains unclear.